The following is an entry in ClinVar:

ClinVar aggregate classification (germline): Uncertain significance. Review status: criteria provided, multiple submitters, no conflicts (2 of 4 stars). 2 submissions from 2 submitters: Uncertain significance (2). Last evaluated 2025-11-07.

Conditions:
Inborn genetic diseases. Identifiers: MedGen C0950123, MeSH D030342.
ABCC2-related disorder. Also called: ABCC2-related condition.

Allele frequency attached by ClinVar (database versions not stated): gnomAD exomes 0.00005; ExAC 0.00009; gnomAD 0.00013; TOPMed 0.00020.
gnomAD v4.1: 100 of 1,613,970 alleles (0.0062%); highest among the groups gnomAD compares: Middle Eastern, 0.033%; no homozygotes.

Submissions (2):

PreventionGenetics, part of Exact Sciences
Classification: Uncertain significance for ABCC2-related condition. Last evaluated: 2025-11-07. Review status: criteria provided, single submitter. Criteria: ACMG Guidelines, 2015. Collection method: clinical testing. Allele origin: germline.
Comment: The ABCC2 c.454C>T variant is predicted to result in the amino acid substitution p.Arg152Trp. To our knowledge, this variant has not been reported in the literature. This variant is reported in 0.024% of alleles in individuals of African descent in gnomAD. At this time, the clinical significance of this variant is uncertain due to the absence of conclusive functional and genetic evidence.

Ambry Genetics
Classification: Uncertain significance for Inborn genetic diseases. Last evaluated: 2022-09-14. Review status: criteria provided, single submitter. Criteria: Ambry Variant Classification Scheme 2023. Collection method: clinical testing. Allele origin: germline.

NM_000392.5(ABCC2):c.454C>T (p.Arg152Trp)

Gene: ABCC2 (ATP binding cassette subfamily C member 2; plus strand). Cytogenetic location: 10q24.2.
Variant type: single nucleotide variant.
Coding change: c.454C>T on transcript NM_000392.5 (MANE Select); coding-DNA position 454, C replaced by T.
Protein change: p.Arg152Trp; replaces arginine 152 with tryptophan.
Molecular consequence: missense variant.
Genome position (GRCh38, 1-based): chr10:99,793,671, C>T. VCF-style: chr10-99793671-C-T. GRCh37 (hg19) VCF-style: chr10-101553428-C-T.
Other names: c.454C>T (NM_000392.4); short protein forms R152W.
Identifiers: ClinVar variation 2372103 (VCV002372103.4), dbSNP rs146452937, ClinGen allele CA5642883.